The following is an entry in ClinVar:

ClinVar aggregate classification (germline): Pathogenic (1 of 4 stars; one submission).

Conditions:
Cardiovascular phenotype. Identifiers: MedGen CN230736.

Submission:

Ambry Genetics
Classification: Pathogenic for Cardiovascular phenotype. Last evaluated: 2020-08-18. Review status: criteria provided, single submitter. Criteria: Ambry Variant Classification Scheme 2023. Collection method: clinical testing. Allele origin: germline.
Comment: The c.1531delC pathogenic mutation, located in coding exon 17 of the MYBPC3 gene, results from a deletion of one nucleotide at nucleotide position 1531, causing a translational frameshift with a predicted alternate stop codon (p.H511Tfs*2). This alteration is expected to result in loss of function by premature protein truncation or nonsense-mediated mRNA decay. As such, this alteration is interpreted as a disease-causing mutation.

NM_000256.3(MYBPC3):c.1531del (p.His511fs)

Gene: MYBPC3 (myosin binding protein C3; minus strand). Cytogenetic location: 11p11.2.
Variant type: Deletion.
Coding change: c.1531del on transcript NM_000256.3 (MANE Select); coding-DNA position 1531, one base deleted (C; older notation c.1531delC).
Protein change: p.His511fs; shifts the reading frame from histidine 511.
Molecular consequence: frameshift variant.
Genome position (GRCh38, 1-based): chr11:47,342,671, G deleted on the plus strand (C on the coding strand, the reverse complement: MYBPC3 is on the minus strand); the first of 2 consecutive G bases (chr11:47,342,671-47,342,672); deleting either gives the same sequence. VCF-style (leftmost placement, unchanged base first): chr11-47342670-TG-T. GRCh37 (hg19) VCF-style: chr11-47364221-TG-T.
Other names: c.1531delC (NM_000256.3); short protein forms H511fs.
Identifiers: ClinVar variation 1774637 (VCV001774637.2), dbSNP rs2495762791, ClinGen allele CA2580084250.